The following is an entry in ClinVar:

ClinVar aggregate classification (germline): Uncertain significance. Review status: criteria provided, single submitter (1 of 4 stars). 2 submissions from 2 submitters: Uncertain significance (1). 1 of the submissions does not count toward it. Last evaluated 2013-04-08.

Conditions:
Autosomal dominant intellectual disability-craniofacial anomalies-cardiac defects syndrome (ARTHS). Also called: Mental retardation, autosomal dominant 32; Arboleda-Tham syndrome; KAT6A syndrome. Identifiers: Orphanet 457193, MedGen C4225396, MONDO:0014558, OMIM 616268.

Submissions (2):

GeneDx
Classification: Uncertain significance. Last evaluated: 2013-04-08. Review status: criteria provided, single submitter. Criteria: GeneDx Variant Classification (06012015). Collection method: clinical testing. Allele origin: germline. Affected: yes.
Comment: The KAT6A gene is a candidate gene. This variant requires further evaluation in a research setting. To date, no mutations in the KAT6A gene have been reported in association with a specific human disease to our knowledge. However, multiple patients presenting with global developmental delay, dysmorphic facial features, hypotonia, and cardiac anomalies were found to carry a de novo variant in the KAT6A gene at GeneDx. While the function of KAT6A has not been completely defined, studies in mice suggest that KAT6A may act as a chromatin modifier by interacting with the TBX1 gene. Mutations in the TBX1 gene as well as contiguous gene deletions including the TBX1 gene within cytogenetic band 22q11 cause Velocardiofacial/DiGeorge syndrome. KAT6A-null mice have features that mirror the 22q11 deletion syndrome, suggesting KAT6A is involved in cardiac, pharyngeal and facial development (Voss et al., 2012).;p.Glu1370Stop (GAG>TAG): c.4108 G>T in exon 18 in the KAT6A gene (NM_001099412.1). The E1370X nonsense variant in the KAT6A gene has not been reported previously as a disease-causing mutation nor as a benign polymorphism, to our knowledge. E1370X is predicted to cause loss of normal protein function through protein truncation. E1370X creates a new stop codon on the last exon of the KAT6A gene, resulting in loss of the last 635 amnio acids in the resulting protein. This finding requires further evaluation in a research setting. This variant has been seen de novo. The variant is found in KAT6A panel(s).

OMIM
Classification: Pathogenic for ARBOLEDA-THAM SYNDROME. Last evaluated: 2015-03-05. Review status: no assertion criteria provided. Collection method: literature only. Allele origin: germline. Not counted in ClinVar's aggregate classification.

Literature cited by the submitters: PubMed 25728777 (cited by GeneDx and OMIM).

NM_006766.5(KAT6A):c.4108G>T (p.Glu1370Ter)

Gene: KAT6A (lysine acetyltransferase 6A; minus strand). Cytogenetic location: 8p11.21.
Variant type: single nucleotide variant.
Coding change: c.4108G>T on transcript NM_006766.5 (MANE Select); coding-DNA position 4108, G replaced by T.
Protein change: p.Glu1370Ter; replaces glutamic acid 1370 with a stop codon.
Molecular consequence: nonsense.
Genome position (GRCh38, 1-based): chr8:41,934,112, C>A on the plus strand (G>T on the coding strand, the complement: KAT6A is on the minus strand). VCF-style: chr8-41934112-C-A. GRCh37 (hg19) VCF-style: chr8-41791630-C-A.
Other names: short protein forms E1370*.
Identifiers: ClinVar variation 162180 (VCV000162180.4), dbSNP rs138944476, ClinGen allele CA004207.